The following is an entry in ClinVar:

NM_020732.3:c.2954A>C

Gene: ARID1B (AT-rich interaction domain 1B; plus strand).
Variant type: single nucleotide variant.
Other names: c.2954A>C (NM_020732.3).
Identifiers: ClinVar variation 4838513 (VCV004838513.1).

ClinVar aggregate classification (germline): Uncertain significance (1 of 4 stars; one submission).

Conditions:
Inborn genetic diseases. Identifiers: MedGen C0950123, MeSH D030342.

Submission:

Ambry Genetics
Classification: Uncertain significance for Inborn genetic diseases. Last evaluated: 2025-12-24. Review status: criteria provided, single submitter. Criteria: Ambry Variant Classification Scheme 2023. Collection method: clinical testing. Allele origin: germline.
Comment: The c.2954A>C (p.N985T) alteration is located in exon 10 (coding exon 10) of the ARID1B gene. This alteration results from a A to C substitution at nucleotide position 2954, causing the asparagine (N) at amino acid position 985 to be replaced by a threonine (T). Based on data from gnomAD, the C allele has an overall frequency of <0.001% (1/250010) total alleles studied. The highest observed frequency was <0.001% (/) of alleles. Based on insufficient or conflicting evidence, the clinical significance of this alteration remains unclear.